The following is an entry in ClinVar:

ClinVar aggregate classification (germline): Uncertain significance (1 of 4 stars; one submission).

Submission:

Women's Health and Genetics/Laboratory Corporation of America, LabCorp
Classification: Uncertain significance. Last evaluated: 2025-09-05. Review status: criteria provided, single submitter. Criteria: LabCorp Variant Classification Summary - May 2015. Collection method: clinical testing. Allele origin: germline.
Comment: Variant summary: DDX11 c.2641C>A (p.Arg881Ser) results in a non-conservative amino acid change in the encoded protein sequence. Algorithms developed to predict the effect of missense changes on protein structure and function are either unavailable or do not agree on the potential impact of this missense change. The variant was absent in 251458 control chromosomes. The available data on variant occurrences in the general population are insufficient to allow any conclusion about variant significance. To our knowledge, no occurrence of c.2641C>A in individuals affected with DDX11-related conditions and no experimental evidence demonstrating its impact on protein function have been reported. No submitters have cited clinical-significance assessments for this variant to ClinVar. Based on the evidence outlined above, the variant was classified as uncertain significance.

NM_030653.4(DDX11):c.2641C>A (p.Arg881Ser)

Gene: DDX11 (DEAD/H-box helicase 11; plus strand). Cytogenetic location: 12p11.21.
Variant type: single nucleotide variant.
Coding change: c.2641C>A on transcript NM_030653.4 (MANE Select); coding-DNA position 2641, C replaced by A.
Protein change: p.Arg881Ser; replaces arginine 881 with serine.
Molecular consequence: missense variant. On other transcripts: non-coding transcript variant (4).
Genome position (GRCh38, 1-based): chr12:31,103,681, C>A. VCF-style: chr12-31103681-C-A. GRCh37 (hg19) VCF-style: chr12-31256615-C-A.
Other names: c.2636C>A, p.Pro879Gln (NM_001257144.2, NM_001413695.1, NM_152438.2 and 1 more transcripts); c.2563C>A, p.Arg855Ser (NM_001257145.2, NM_001413697.1, NM_001413698.1); c.2641C>A, p.Arg881Ser (NM_001413692.1, NM_001413693.1, NM_001413694.1); c.2491C>A, p.Arg831Ser (NM_004399.3); c.2558C>A, p.Pro853Gln (NM_001413699.1); c.2554C>A, p.Arg852Ser (NM_001413700.1); c.2113C>A, p.Arg705Ser (NM_001413702.1, NM_001413703.1); c.1775C>A, p.Pro592Gln (NM_001413704.1); and 2 more; short protein forms P592Q, P853Q, P879Q, R559S, R594S, R705S, R831S, R852S.
Identifiers: ClinVar variation 4535705 (VCV004535705.1).